The following is an entry in ClinVar:

NM_004544.4(NDUFA10):c.*396C>G

Gene: NDUFA10 (NADH:ubiquinone oxidoreductase subunit A10; minus strand). Cytogenetic location: 2q37.3.
Variant type: single nucleotide variant.
Coding change: c.*396C>G on transcript NM_004544.4 (MANE Select); 396 bases downstream of the stop codon, C replaced by G.
Molecular consequence: 3 prime UTR variant. On other transcripts: non-coding transcript variant (3).
Genome position (GRCh38, 1-based): chr2:239,960,722, G>C on the plus strand (C>G on the coding strand, the complement: NDUFA10 is on the minus strand). VCF-style: chr2-239960722-G-C. GRCh37 (hg19) VCF-style: chr2-240900139-G-C.
Other names: c.*401C>G (NM_001322020.2).
Identifiers: ClinVar variation 895707 (VCV000895707.5), dbSNP rs73103629, ClinGen allele CA68048871.

ClinVar aggregate classification (germline): Benign/Likely benign. Review status: criteria provided, multiple submitters, no conflicts (2 of 4 stars). 3 submissions from 2 submitters: Benign (2); Likely benign (1). Last evaluated 2021-05-26.

Conditions:
Mitochondrial complex I deficiency, nuclear type 1. Also called: NADH-COENZYME Q REDUCTASE DEFICIENCY; MITOCHONDRIAL NADH DEHYDROGENASE COMPONENT OF COMPLEX I, DEFICIENCY OF. Identifiers: MedGen C6022305, MONDO:0100224, OMIM 252010.
Leigh syndrome (NULS). Also called: Leigh Disease; Subacute necrotizing encephalopathy; Necrotizing encephalopathy infantile subacute of Leigh; LEIGH SYNDROME, NUCLEAR; Leigh's syndrome; Leigh's necrotizing encephalopathy. Identifiers: Orphanet 506, MedGen C2931891, MONDO:0009723, OMIM 256000.

Allele frequency attached by ClinVar (database versions not stated): gnomAD exomes 0.00104; gnomAD 0.01196 and 0.01256; TOPMed 0.01362; 1000 Genomes Project 0.01657; 1000 Genomes Project 30x 0.01749.
gnomAD v4.1: 2,899 of 1,184,540 alleles (0.24%); highest among the groups gnomAD compares: African/African-American, 4.2%; 48 homozygotes.

Submissions (3):

GeneDx
Classification: Likely benign. Last evaluated: 2021-05-26. Review status: criteria provided, single submitter. Criteria: GeneDx Variant Classification Process June 2021. Collection method: clinical testing. Allele origin: germline. Affected: yes.

Illumina Laboratory Services, Illumina
Classification: Benign for Mitochondrial complex I deficiency, nuclear type 1. Last evaluated: 2017-04-27. Review status: criteria provided, single submitter. Criteria: ICSL Variant Classification Criteria 13 December 2019. Collection method: clinical testing. Allele origin: germline.
Comment: This variant was observed as part of a predisposition screen in an ostensibly healthy population. A literature search was performed for the gene, cDNA change, and amino acid change (where applicable). No publications were found based on this search. Allele frequency data from public databases was too high to be consistent with this variant causing disease. Therefore, this variant is classified as benign.

Illumina Laboratory Services, Illumina
Classification: Benign for Leigh syndrome. Last evaluated: 2017-04-27. Review status: criteria provided, single submitter. Criteria: ICSL Variant Classification Criteria 13 December 2019. Collection method: clinical testing. Allele origin: germline.
Comment: the same text as in the submission from Illumina Laboratory Services, Illumina above.